The following is an entry in ClinVar:

ClinVar aggregate classification (germline): Pathogenic/Likely pathogenic. Review status: criteria provided, multiple submitters, no conflicts (2 of 4 stars). 3 submissions from 3 submitters: Pathogenic (2); Likely pathogenic (1). Last evaluated 2026-01-27.

Conditions:
PLD1-related disorder. Also called: PLD1-related condition.

Submissions (3):

GeneDx
Classification: Likely pathogenic. Last evaluated: 2026-01-27. Review status: criteria provided, single submitter. Criteria: GeneDx Variant Classification Process June 2021. Collection method: clinical testing. Allele origin: germline.
Comment: Nonsense variant predicted to result in protein truncation or nonsense mediated decay in a gene for which loss of function is a known mechanism of disease; Also known as c.2415del; This variant is associated with the following publications: (PMID: 33645542)

Labcorp Genetics (formerly Invitae), Labcorp
Classification: Pathogenic. Last evaluated: 2022-09-16. Review status: criteria provided, single submitter. Criteria: Invitae Variant Classification Sherloc (09022015). Collection method: clinical testing. Allele origin: germline.
Comment: This premature translational stop signal has been observed in individual(s) with PLD1-related conditions (PMID: 33645542). This variant is also known as c.2415delC. For these reasons, this variant has been classified as Pathogenic. This variant is present in population databases (rs752727641, gnomAD 0.008%). This sequence change creates a premature translational stop signal (p.Leu806*) in the PLD1 gene. It is expected to result in an absent or disrupted protein product. Loss-of-function variants in PLD1 are known to be pathogenic (PMID: 27799408).

Blueprint Genetics
Classification: Pathogenic for PLD1-related disorders. Last evaluated: 2021-09-03. Review status: criteria provided, single submitter. Criteria: ACMG Guidelines, 2015. Collection method: clinical testing. Allele origin: germline. Affected: yes. Observed: 5 variant alleles.

Literature cited by the submitters: PubMed 33645542 (cited by Labcorp Genetics (formerly Invitae), Labcorp); PubMed 27799408 (cited by Labcorp Genetics (formerly Invitae), Labcorp).

NM_002662.5(PLD1):c.2416del (p.Ile805_Leu806insTer)

Gene: PLD1 (phospholipase D1; minus strand). Cytogenetic location: 3q26.31.
Variant type: Deletion.
Coding change: c.2416del on transcript NM_002662.5 (MANE Select); coding-DNA position 2416, one base deleted (C; older notation c.2416delC).
Protein change: p.Ile805_Leu806insTer.
Molecular consequence: nonsense.
Genome position (GRCh38, 1-based): chr3:171,659,226, G deleted on the plus strand (C on the coding strand, the reverse complement: PLD1 is on the minus strand); the first of 2 consecutive G bases (chr3:171,659,226-171,659,227); deleting either gives the same sequence. VCF-style (leftmost placement, unchanged base first): chr3-171659225-AG-A. GRCh37 (hg19) VCF-style: chr3-171377015-AG-A.
Other names: c.2416del (NM_002662.4); c.2302del, p.Ile767_Leu768insTer (NM_001130081.3).
Identifiers: ClinVar variation 2074815 (VCV002074815.6), dbSNP rs752727641, ClinGen allele CA2704264.
Genomic context (GRCh38, chr3:171,659,225, plus strand): 5'-TAAATACAAGAACATCTGCAGCGAGAACTCTCAGCCAAAGGCTGTTACCTGTGAGCTTTC[AG>A]GATCCTCTGGGCAATGGCATCGCCTATCTTGTTGAACACAACTTTGTCATCAGCACAGCT-3'